The following is an entry in ClinVar:

NM_022166.4(XYLT1):c.1669C>T (p.Arg557Cys)

Genes: XYLT1 (xylosyltransferase 1; minus strand), LOC102723692 (uncharacterized LOC102723692; plus strand). Cytogenetic location: 16p12.3.
Variant type: single nucleotide variant.
Coding change: c.1669C>T on transcript NM_022166.4 (MANE Select); coding-DNA position 1669, C replaced by T.
Protein change: p.Arg557Cys; replaces arginine 557 with cysteine.
Molecular consequence: missense variant. On other transcripts: non-coding transcript variant (1).
Genome position (GRCh38, 1-based): chr16:17,138,450, G>A on the plus strand (C>T on the coding strand, the complement: XYLT1 is on the minus strand). VCF-style: chr16-17138450-G-A. GRCh37 (hg19) VCF-style: chr16-17232307-G-A.
Other names: c.1669C>T (NM_022166.3); short protein forms R557C.
Identifiers: ClinVar variation 1470773 (VCV001470773.9), dbSNP rs2141515545, ClinGen allele CA394875313.
Genomic context (GRCh38, chr16:17,138,450, plus strand): 5'-TGGGGGAGCAGCCGCACCAGTCCACGATGTGCTTGTACTGGCACTTGCAGCCCAGCTTGC[G>A]ATTCCAGTTGGTGATGCGCAGGTTGTTGTCCACCATGGTGTCGCAGTGGGGGCTGTTCTC-3'
Protein context (NP_071449.1, residues 547-567): DNNLRITNWN[Arg557Cys]KLGCKCQYKH

ClinVar aggregate classification (germline): Uncertain significance. Review status: criteria provided, multiple submitters, no conflicts (2 of 4 stars). 2 submissions from 2 submitters: Uncertain significance (2). Last evaluated 2023-05-03.

Conditions:
Desbuquois dysplasia 1 (DBQD1). Also called: MICROMELIC DWARFISM WITH VERTEBRAL AND METAPHYSEAL ABNORMALITIES AND ADVANCED CARPOTARSAL OSSIFICATION; DESBUQUOIS DYSPLASIA 1, KIM VARIANT. Identifiers: Orphanet 1425, MedGen C4012146, MONDO:0009629, OMIM 251450.
Inborn genetic diseases. Identifiers: MedGen C0950123, MeSH D030342.

Allele frequency attached by ClinVar (database versions not stated): gnomAD exomes 0.00001.
gnomAD v4.1: 10 of 1,614,194 alleles (0.00062%); highest among the groups gnomAD compares: Non-Finnish European, 0.00085%; no homozygotes.

Submissions (2):

Ambry Genetics
Classification: Uncertain significance for Inborn genetic diseases. Last evaluated: 2023-05-03. Review status: criteria provided, single submitter. Criteria: Ambry Variant Classification Scheme 2023. Collection method: clinical testing. Allele origin: germline.

Labcorp Genetics (formerly Invitae), Labcorp
Classification: Uncertain significance for Desbuquois dysplasia 1. Last evaluated: 2021-03-03. Review status: criteria provided, single submitter. Criteria: Invitae Variant Classification Sherloc (09022015). Collection method: clinical testing. Allele origin: germline.
Comment: In summary, the available evidence is currently insufficient to determine the role of this variant in disease. Therefore, it has been classified as a Variant of Uncertain Significance. Algorithms developed to predict the effect of missense changes on protein structure and function (SIFT, PolyPhen-2, Align-GVGD) all suggest that this variant is likely to be disruptive, but these predictions have not been confirmed by published functional studies and their clinical significance is uncertain. This variant has not been reported in the literature in individuals with XYLT1-related conditions. This variant is not present in population databases (ExAC no frequency). This sequence change replaces arginine with cysteine at codon 557 of the XYLT1 protein (p.Arg557Cys). The arginine residue is highly conserved and there is a large physicochemical difference between arginine and cysteine.